The following is an entry in ClinVar:

ClinVar aggregate classification (germline): Benign. Review status: criteria provided, multiple submitters, no conflicts (2 of 4 stars). 3 submissions from 3 submitters: Benign (3). Last evaluated 2023-11-12.

Allele frequency attached by ClinVar (database versions not stated): 1000 Genomes Project 30x 0.65709; 1000 Genomes Project 0.65895; TOPMed 0.71164; gnomAD 0.71266 and 0.71883; gnomAD exomes 0.86087.
gnomAD v4.1: 1,015,782 of 1,206,208 alleles (84%); highest among the groups gnomAD compares: Non-Finnish European, 89%; 438,255 homozygotes.

Submissions (3):

Unidad de Genómica Garrahan, Hospital de Pediatría Garrahan
Classification: Benign. Last evaluated: 2023-11-12. Review status: criteria provided, single submitter. Criteria: ACMG Guidelines, 2015. Collection method: clinical testing. Allele origin: germline. Affected: no. Observed: 86 variant alleles.
Comment: This variant is classified as Benign based on local population frequency. This variant was detected in 90% of patients studied by a panel of primary immunodeficiencies. Number of patients: 86. Only high quality variants are reported.

GeneDx
Classification: Benign. Last evaluated: 2018-11-12. Review status: criteria provided, single submitter. Criteria: GeneDx Variant Classification Process June 2021. Collection method: clinical testing. Allele origin: germline. Affected: yes.

Breakthrough Genomics
Classification: Benign. Review status: criteria provided, single submitter. Criteria: ACMG Guidelines, 2015. Collection method: not provided. Allele origin: germline. Inheritance: Autosomal recessive inheritance. Affected: yes.

NM_001556.3(IKBKB):c.2115-63T>C

Gene: IKBKB (inhibitor of nuclear factor kappa B kinase subunit beta; plus strand). Cytogenetic location: 8p11.21.
Variant type: single nucleotide variant.
Coding change: c.2115-63T>C on transcript NM_001556.3 (MANE Select); 63 bases into the intron before coding-DNA position 2115, T replaced by C.
Molecular consequence: intron variant.
Genome position (GRCh38, 1-based): chr8:42,329,061, T>C. VCF-style: chr8-42329061-T-C. GRCh37 (hg19) VCF-style: chr8-42186579-T-C.
Other names: c.1938-63T>C (NM_001242778.2); c.1923-63T>C (NM_001190720.3).
Identifiers: ClinVar variation 1235904 (VCV001235904.6), dbSNP rs2272732, ClinGen allele CA15576487.